The following is an entry in ClinVar:

NM_213599.3(ANO5):c.2489C>T (p.Ala830Val)

Gene: ANO5 (anoctamin 5; plus strand). Cytogenetic location: 11p14.3.
Variant type: single nucleotide variant.
Coding change: c.2489C>T on transcript NM_213599.3 (MANE Select); coding-DNA position 2489, C replaced by T.
Protein change: p.Ala830Val; replaces alanine 830 with valine.
Molecular consequence: missense variant.
Genome position (GRCh38, 1-based): chr11:22,276,168, C>T. VCF-style: chr11-22276168-C-T. GRCh37 (hg19) VCF-style: chr11-22297714-C-T.
Other names: c.2486C>T, p.Ala829Val (NM_001142649.2); short protein forms A829V, A830V.
Identifiers: ClinVar variation 663866 (VCV000663866.8), dbSNP rs766853141, ClinGen allele CA5923596.

ClinVar aggregate classification (germline): Uncertain significance. Review status: criteria provided, multiple submitters, no conflicts (2 of 4 stars). 2 submissions from 2 submitters: Uncertain significance (2). Last evaluated 2025-08-18.

Conditions:
Autosomal recessive limb-girdle muscular dystrophy type 2L (LGMDR12). Also called: Limb-girdle muscular dystrophy, type 2L; Limb-Girdle Muscular Dystrophy R12 Anoctamin-5-Related (LGMD-R12); MUSCULAR DYSTROPHY, LIMB-GIRDLE, AUTOSOMAL RECESSIVE 12. Identifiers: Orphanet 206549, MedGen C1969785, MONDO:0012652, OMIM 611307.
Gnathodiaphyseal dysplasia (GDD). Also called: GNATHODIAPHYSEAL SCLEROSIS; OSTEOGENESIS IMPERFECTA WITH UNUSUAL SKELETAL LESIONS. Identifiers: Orphanet 53697, MedGen C1833736, MONDO:0008151, OMIM 166260.

Allele frequency attached by ClinVar (database versions not stated): gnomAD exomes 0.00003; ExAC 0.00005.

Submissions (2):

Labcorp Genetics (formerly Invitae), Labcorp
Classification: Uncertain significance for Autosomal recessive limb-girdle muscular dystrophy type 2L; Gnathodiaphyseal dysplasia. Last evaluated: 2025-08-18. Review status: criteria provided, single submitter. Criteria: Invitae Variant Classification Sherloc (09022015). Collection method: clinical testing. Allele origin: germline.
Comment: This sequence change replaces alanine, which is neutral and non-polar, with valine, which is neutral and non-polar, at codon 830 of the ANO5 protein (p.Ala830Val). This variant is present in population databases (rs766853141, gnomAD 0.009%). This missense change has been observed in individual(s) with limb-girdle muscular dystrophy (PMID: 25891276). ClinVar contains an entry for this variant (Variation ID: 663866). Invitae Evidence Modeling of protein sequence and biophysical properties (such as structural, functional, and spatial information, amino acid conservation, physicochemical variation, residue mobility, and thermodynamic stability) has been performed for this missense variant. However, the output from this modeling did not meet the statistical confidence thresholds required to predict the impact of this variant on ANO5 protein function. In summary, the available evidence is currently insufficient to determine the role of this variant in disease. Therefore, it has been classified as a Variant of Uncertain Significance.

Revvity Omics, Revvity
Classification: Uncertain significance. Last evaluated: 2019-07-29. Review status: criteria provided, single submitter. Criteria: ACMG Guidelines, 2015. Collection method: clinical testing. Allele origin: germline.

Literature cited by the submitters: PubMed 25891276 (cited by Labcorp Genetics (formerly Invitae), Labcorp).